The following is an entry in ClinVar:

ClinVar aggregate classification (germline): Likely benign. Review status: criteria provided, multiple submitters, no conflicts (2 of 4 stars). 3 submissions from 3 submitters: Likely benign (3). Last evaluated 2026-03-31.

Conditions:
SLC12A3-related disorder. Also called: SLC12A3-related condition.

Allele frequency attached by ClinVar (database versions not stated): gnomAD exomes 0.00005; ExAC 0.00006; gnomAD 0.00006; TOPMed 0.00006; ESP Exome Variant Server 0.00046.
gnomAD v4.1: 81 of 1,613,784 alleles (0.005%); highest among the groups gnomAD compares: Non-Finnish European, 0.0062%; no homozygotes.

Submissions (3):

PreventionGenetics, part of Exact Sciences
Classification: Likely benign for SLC12A3-related condition. Last evaluated: 2026-03-31. Review status: criteria provided, single submitter. Criteria: ACMG Guidelines, 2015. Collection method: clinical testing. Allele origin: germline.
Comment: This variant is classified as likely benign based on ACMG/AMP sequence variant interpretation guidelines (Richards et al. 2015 PMID: 25741868, with internal and published modifications).

Labcorp Genetics (formerly Invitae), Labcorp
Classification: Likely benign. Last evaluated: 2024-06-28. Review status: criteria provided, single submitter. Criteria: Invitae Variant Classification Sherloc (09022015). Collection method: clinical testing. Allele origin: germline.

CeGaT Center for Human Genetics Tuebingen
Classification: Likely benign. Last evaluated: 2023-02-01. Review status: criteria provided, single submitter. Criteria: CeGaT Center For Human Genetics Tuebingen Variant Classification Criteria Version 2. Collection method: clinical testing. Allele origin: germline. Affected: yes. Observed: 1 variant allele.
Comment: SLC12A3: BP4, BP7

NM_001126108.2(SLC12A3):c.1947G>A (p.Thr649=)

Gene: SLC12A3 (solute carrier family 12 member 3; plus strand). Cytogenetic location: 16q13.
Variant type: single nucleotide variant.
Coding change: c.1947G>A on transcript NM_001126108.2 (MANE Select); coding-DNA position 1947, G replaced by A.
Protein change: p.Thr649=; no amino-acid change (threonine 649 retained).
Molecular consequence: synonymous variant.
Genome position (GRCh38, 1-based): chr16:56,886,385, G>A. VCF-style: chr16-56886385-G-A. GRCh37 (hg19) VCF-style: chr16-56920297-G-A.
Other names: c.1947G>A, p.Thr649= (NM_000339.3); c.1944G>A, p.Thr648= (NM_001126107.2, NM_001410896.1); c.1947G>A (NM_000339.2).
Identifiers: ClinVar variation 2059893 (VCV002059893.29), dbSNP rs151041573, ClinGen allele CA8069671.